The following is an entry in ClinVar:

ClinVar aggregate classification (germline): Uncertain significance (1 of 4 stars; one submission).

Conditions:
Hereditary cancer-predisposing syndrome. Also called: Neoplastic Syndromes, Hereditary; Hereditary Cancer Syndrome; Hereditary neoplastic syndrome; Tumor predisposition. Identifiers: Orphanet 140162, MedGen C0027672, MeSH D009386, MONDO:0015356.

Submission:

Ambry Genetics
Classification: Uncertain significance for Hereditary cancer-predisposing syndrome. Last evaluated: 2026-05-22. Review status: criteria provided, single submitter. Criteria: Ambry Variant Classification Scheme 2023. Collection method: clinical testing. Allele origin: germline.
Comment: The p.E544G variant (also known as c.1631A>G), located in coding exon 11 of the FLCN gene, results from an A to G substitution at nucleotide position 1631. The glutamic acid at codon 544 is replaced by glycine, an amino acid with similar properties. This amino acid position is conserved. In addition, this alteration is predicted to be deleterious by in silico analysis. Based on the available evidence, the clinical significance of this variant remains unclear.

NM_144997.7(FLCN):c.1631A>G (p.Glu544Gly)

Gene: FLCN (folliculin; minus strand). Cytogenetic location: 17p11.2.
Variant type: single nucleotide variant.
Coding change: c.1631A>G on transcript NM_144997.7 (MANE Select); coding-DNA position 1631, A replaced by G.
Protein change: p.Glu544Gly; replaces glutamic acid 544 with glycine.
Molecular consequence: missense variant.
Genome position (GRCh38, 1-based): chr17:17,213,764, T>C on the plus strand (A>G on the coding strand, the complement: FLCN is on the minus strand). VCF-style: chr17-17213764-T-C. GRCh37 (hg19) VCF-style: chr17-17117078-T-C.
Other names: c.1685A>G, p.Glu562Gly (NM_001353229.2); c.1631A>G, p.Glu544Gly (NM_001353230.2, NM_001353231.2); short protein forms E544G, E562G.
Identifiers: ClinVar variation 4871394 (VCV004871394.1).